The following is an entry in ClinVar:

NM_000245.4(MET):c.2596G>T (p.Asp866Tyr)

Gene: MET (MET proto-oncogene, receptor tyrosine kinase; plus strand). Cytogenetic location: 7q31.2.
Variant type: single nucleotide variant.
Coding change: c.2596G>T on transcript NM_000245.4 (MANE Select); coding-DNA position 2596, G replaced by T.
Protein change: p.Asp866Tyr; replaces aspartic acid 866 with tyrosine.
Molecular consequence: missense variant.
Genome position (GRCh38, 1-based): chr7:116,769,657, G>T. VCF-style: chr7-116769657-G-T. GRCh37 (hg19) VCF-style: chr7-116409711-G-T.
Other names: c.2650G>T, p.Asp884Tyr (NM_001127500.3); c.2596G>T, p.Asp866Tyr (NM_001324401.3); c.1306G>T, p.Asp436Tyr (NM_001324402.2); short protein forms D436Y, D866Y, D884Y.
Identifiers: ClinVar variation 3232944 (VCV003232944.1), dbSNP rs2116982612, ClinGen allele CA368985315.
Genomic context (GRCh38, chr7:116,769,657, plus strand): 5'-GCAGAACTGTGAAGTGTTAACAACCTTTTTTTTTTTTTTTCCTTTCAGGGAAATGATATT[G>T]ACCCTGAAGCAGTTAAAGGTGAAGTGTTAAAAGTTGGAAATAAGAGCTGTGAGAATATAC-3'
Protein context (NP_000236.2, residues 856-876): NVLEIKGNDI[Asp866Tyr]PEAVKGEVLK

ClinVar aggregate classification (germline): Uncertain significance (1 of 4 stars; one submission).

Conditions:
Hereditary cancer-predisposing syndrome. Also called: Neoplastic Syndromes, Hereditary; Tumor predisposition; Hereditary neoplastic syndrome; Hereditary Cancer Syndrome. Identifiers: Orphanet 140162, MedGen C0027672, MeSH D009386, MONDO:0015356.

Submission:

Ambry Genetics
Classification: Uncertain significance for Hereditary cancer-predisposing syndrome. Last evaluated: 2023-01-13. Review status: criteria provided, single submitter. Criteria: Ambry Variant Classification Scheme 2023. Collection method: clinical testing. Allele origin: germline.
Comment: The p.D884Y variant (also known as c.2650G>T), located in coding exon 11 of the MET gene, results from a G to T substitution at nucleotide position 2650. The aspartic acid at codon 884 is replaced by tyrosine, an amino acid with highly dissimilar properties. This amino acid position is conserved. In addition, this alteration is predicted to be deleterious by in silico analysis. Since supporting evidence is limited at this time, the clinical significance of this alteration remains unclear.